The following is an entry in ClinVar:

ClinVar aggregate classification (germline): Uncertain significance (1 of 4 stars; one submission).

Submission:

Ambry Genetics
Classification: Uncertain significance. Last evaluated: 2023-02-28. Review status: criteria provided, single submitter. Criteria: Ambry Variant Classification Scheme 2023. Collection method: clinical testing. Allele origin: germline.
Comment: The p.A1933T variant (also known as c.5797G>A), located in coding exon 8 of the ALPK2 gene, results from a G to A substitution at nucleotide position 5797. The alanine at codon 1933 is replaced by threonine, an amino acid with similar properties. This amino acid position is conserved. In addition, this alteration is predicted to be tolerated by in silico analysis. Since supporting evidence is limited at this time, the clinical significance of this alteration remains unclear.

NM_052947.4(ALPK2):c.5797G>A (p.Ala1933Thr)

Gene: ALPK2 (alpha kinase 2; minus strand). Cytogenetic location: 18q21.31.
Variant type: single nucleotide variant.
Coding change: c.5797G>A on transcript NM_052947.4 (MANE Select); coding-DNA position 5797, G replaced by A.
Protein change: p.Ala1933Thr; replaces alanine 1933 with threonine.
Molecular consequence: missense variant.
Genome position (GRCh38, 1-based): chr18:58,517,051, C>T on the plus strand (G>A on the coding strand, the complement: ALPK2 is on the minus strand). VCF-style: chr18-58517051-C-T. GRCh37 (hg19) VCF-style: chr18-56184283-C-T.
Other names: short protein forms A1933T.
Identifiers: ClinVar variation 2449303 (VCV002449303.2), dbSNP rs2518862844, ClinGen allele CA402548778.